The following is an entry in ClinVar:

NM_001040108.2(MLH3):c.3890C>A (p.Ser1297Tyr)

Gene: MLH3 (mutL homolog 3; minus strand). Cytogenetic location: 14q24.3.
Variant type: single nucleotide variant.
Coding change: c.3890C>A on transcript NM_001040108.2 (MANE Select); coding-DNA position 3890, C replaced by A.
Protein change: p.Ser1297Tyr; replaces serine 1297 with tyrosine.
Molecular consequence: missense variant.
Genome position (GRCh38, 1-based): chr14:75,030,640, G>T on the plus strand (C>A on the coding strand, the complement: MLH3 is on the minus strand). VCF-style: chr14-75030640-G-T. GRCh37 (hg19) VCF-style: chr14-75497343-G-T.
Other names: c.3818C>A, p.Ser1273Tyr (NM_014381.3); short protein forms S1273Y, S1297Y.
Identifiers: ClinVar variation 1735895 (VCV001735895.5), dbSNP rs1356242542, ClinGen allele CA390422887.

ClinVar aggregate classification (germline): Uncertain significance. Review status: criteria provided, multiple submitters, no conflicts (2 of 4 stars). 2 submissions from 2 submitters: Uncertain significance (2). Last evaluated 2023-11-02.

Conditions:
Colorectal cancer, hereditary nonpolyposis, type 7. Identifiers: Orphanet 144, MedGen C1858380, MONDO:0013725, OMIM 614385.

Allele frequency attached by ClinVar (database versions not stated): gnomAD exomes below 0.00001.
gnomAD v4.1: 1 of 1,613,650 alleles (0.000062%); highest among the groups gnomAD compares: Non-Finnish European, 0.000085%; no homozygotes.

Submissions (2):

Ambry Genetics
Classification: Uncertain significance. Last evaluated: 2023-11-02. Review status: criteria provided, single submitter. Criteria: Ambry Variant Classification Scheme 2023. Collection method: clinical testing. Allele origin: germline.
Comment: The p.S1297Y variant (also known as c.3890C>A), located in coding exon 8 of the MLH3 gene, results from a C to A substitution at nucleotide position 3890. The serine at codon 1297 is replaced by tyrosine, an amino acid with dissimilar properties. This amino acid position is conserved. In addition, the in silico prediction for this alteration is inconclusive. Since supporting evidence is limited at this time, the clinical significance of this alteration remains unclear.

Labcorp Genetics (formerly Invitae), Labcorp
Classification: Uncertain significance for Colorectal cancer, hereditary nonpolyposis, type 7. Last evaluated: 2023-06-05. Review status: criteria provided, single submitter. Criteria: Invitae Variant Classification Sherloc (09022015). Collection method: clinical testing. Allele origin: germline.
Comment: ClinVar contains an entry for this variant (Variation ID: 1735895). This variant has not been reported in the literature in individuals affected with MLH3-related conditions. This variant is present in population databases (no rsID available, gnomAD 0.0009%). This sequence change replaces serine, which is neutral and polar, with tyrosine, which is neutral and polar, at codon 1297 of the MLH3 protein (p.Ser1297Tyr). An algorithm developed to predict the effect of missense changes on protein structure and function (PolyPhen-2) suggests that this variant is likely to be disruptive. In summary, the available evidence is currently insufficient to determine the role of this variant in disease. Therefore, it has been classified as a Variant of Uncertain Significance.